The following is an entry in ClinVar:

ClinVar aggregate classification (germline): Uncertain significance. Review status: criteria provided, multiple submitters, no conflicts (2 of 4 stars). 4 submissions from 4 submitters: Uncertain significance (4). Last evaluated 2025-11-20.

Conditions:
Amyloidosis, hereditary systemic 1 (AMYLD1). Also called: Familial amyloid polyneuropathy; Transthyretin Amyloidosis; Hereditary Transthyretin Amyloidosis; Isolated Cardiac Amyloidosis; Amyloid Cardiomyopathy, Transthyretin-related; AMYLOID CARDIOMYOPATHY. Identifiers: Orphanet 85447, Orphanet 85451, MedGen C2751492, MONDO:0971004, OMIM 105210.
Cardiovascular phenotype. Identifiers: MedGen CN230736.
Carpal tunnel syndrome 1 (CTS1). Also called: Carpal tunnel syndrome, familial. Identifiers: MedGen C5779776, MONDO:0020730, OMIM 115430.
Hyperthyroxinemia, dystransthyretinemic. Also called: HYPERTHYROXINEMIA, DYSPREALBUMINEMIC; EUTHRYROIDAL HYPERTHYROXINEMIA 2. Identifiers: MedGen C2750824, MONDO:0007785, OMIM 145680.

Allele frequency attached by ClinVar (database versions not stated): ExAC 0.00002; gnomAD exomes 0.00004.
gnomAD v4.1: 17 of 1,613,860 alleles (0.0011%); highest among the groups gnomAD compares: Admixed American, 0.01%; no homozygotes.

Submissions (4):

Ambry Genetics
Classification: Uncertain significance for Cardiovascular phenotype. Last evaluated: 2025-11-20. Review status: criteria provided, single submitter. Criteria: Ambry Variant Classification Scheme 2023. Collection method: clinical testing. Allele origin: germline.
Comment: The p.G121S variant (also known as c.361G>A), located in coding exon 4 of the TTR gene, results from a G to A substitution at nucleotide position 361. The glycine at codon 121 is replaced by serine, an amino acid with similar properties. This variant (also referred to as p.G101S) has been detected in an individual without symptoms of amyloidosis, and has been reported to not adversely impact protein expression or stability (Kishikawa M et al. Hum Mutat. 1998 ;12(5):363; Wakita Y et al. Biol Pharm Bull. 2018 ;41(4):628-636). This amino acid position is highly conserved in available vertebrate species. In addition, this alteration is predicted to be deleterious by in silico analysis. Based on the available evidence, the clinical significance of this variant remains unclear.

Labcorp Genetics (formerly Invitae), Labcorp
Classification: Uncertain significance for Amyloidosis, hereditary systemic 1. Last evaluated: 2025-08-11. Review status: criteria provided, single submitter. Criteria: Invitae Variant Classification Sherloc (09022015). Collection method: clinical testing. Allele origin: germline.
Comment: This sequence change replaces glycine, which is neutral and non-polar, with serine, which is neutral and polar, at codon 121 of the TTR protein (p.Gly121Ser). This variant is present in population databases (rs755337715, gnomAD 0.02%). This variant has not been reported in the literature in individuals affected with TTR-related conditions. ClinVar contains an entry for this variant (Variation ID: 1040987). Invitae Evidence Modeling of protein sequence and biophysical properties (such as structural, functional, and spatial information, amino acid conservation, physicochemical variation, residue mobility, and thermodynamic stability) indicates that this missense variant is expected to disrupt TTR protein function with a positive predictive value of 95%. Experimental studies are conflicting or provide insufficient evidence to determine the effect of this variant on TTR function (PMID: 29607936, 35903975). In summary, the available evidence is currently insufficient to determine the role of this variant in disease. Therefore, it has been classified as a Variant of Uncertain Significance.

Women's Health and Genetics/Laboratory Corporation of America, LabCorp
Classification: Uncertain significance. Last evaluated: 2025-06-17. Review status: criteria provided, single submitter. Criteria: LabCorp Variant Classification Summary - May 2015. Collection method: clinical testing. Allele origin: germline.
Comment: Variant summary: TTR c.361G>A (p.Gly121Ser) results in a non-conservative amino acid change in the encoded protein sequence. Algorithms developed to predict the effect of missense changes on protein structure and function all suggest that this variant is likely to be disruptive. The variant allele was found at a frequency of 1.1e-05 in 1606864 control chromosomes in the gnomAD database (v4.1 dataset). This frequency is somewhat lower than the maximum estimated for a pathogenic variant in TTR causing Transthyretin Amyloidosis (3.1e-05), allowing no conclusion about variant significance. The variant, c.361G>A (aka G101S) has been observed in an individual affected with familial amyloid polyneuropathy (Liu_2008), however this individual also carried a pathogenic TTR variant, which could explain the phenotype. Publications reported experimental evidence evaluating an impact on protein function, and demonstrated that the variant resulted in significantly less amyloid formation in vitro, suggesting higher stability of G101S TTR compared with the WT TTR (e.g. Wakita_2018, Grether_2022). The following publications have been ascertained in the context of this evaluation (PMID: 18022643, 29607936, 35903975). ClinVar contains an entry for this variant (Variation ID: 1040987). Based on the evidence outlined above, the variant was classified as VUS-possibly benign.

Fulgent Genetics
Classification: Uncertain significance for Amyloidosis, hereditary systemic 1; Carpal tunnel syndrome 1; Hyperthyroxinemia, dystransthyretinemic. Last evaluated: 2021-09-03. Review status: criteria provided, single submitter. Criteria: ACMG Guidelines, 2015. Collection method: clinical testing. Allele origin: unknown.

Literature cited by the submitters: PubMed 10671063 (cited by Ambry Genetics); PubMed 29607936 (cited by 3 submitters); PubMed 35903975 (cited by 3 submitters); PubMed 18022643 (cited by Women's Health and Genetics/Laboratory Corporation of America, LabCorp).

NM_000371.4(TTR):c.361G>A (p.Gly121Ser)

Gene: TTR (transthyretin; plus strand). Cytogenetic location: 18q12.1.
Variant type: single nucleotide variant.
Coding change: c.361G>A on transcript NM_000371.4 (MANE Select); coding-DNA position 361, G replaced by A.
Protein change: p.Gly121Ser; replaces glycine 121 with serine.
Molecular consequence: missense variant.
Genome position (GRCh38, 1-based): chr18:31,598,592, G>A. VCF-style: chr18-31598592-G-A. GRCh37 (hg19) VCF-style: chr18-29178555-G-A.
Other names: short protein forms G121S.
Identifiers: ClinVar variation 1040987 (VCV001040987.14), dbSNP rs755337715, ClinGen allele CA8928500.
Genomic context (GRCh38, chr18:31,598,592, plus strand): 5'-TCTGGTGGAAATGGATCTGTCTGTCTTCTCTCATAGGTGGTATTCACAGCCAACGACTCC[G>A]GCCCCCGCCGCTACACCATTGCCGCCCTGCTGAGCCCCTACTCCTATTCCACCACGGCTG-3'
Protein context (NP_000362.1, residues 111-131): AEVVFTANDS[Gly121Ser]PRRYTIAALL